The following is an entry in ClinVar:

NM_003640.5(ELP1):c.1346C>T (p.Ser449Phe)

Gene: ELP1 (elongator acetyltransferase complex subunit 1; minus strand). Cytogenetic location: 9q31.3.
Variant type: single nucleotide variant.
Coding change: c.1346C>T on transcript NM_003640.5 (MANE Select); coding-DNA position 1346, C replaced by T.
Protein change: p.Ser449Phe; replaces serine 449 with phenylalanine.
Molecular consequence: missense variant.
Genome position (GRCh38, 1-based): chr9:108,911,024, G>A on the plus strand (C>T on the coding strand, the complement: ELP1 is on the minus strand). VCF-style: chr9-108911024-G-A. GRCh37 (hg19) VCF-style: chr9-111673304-G-A.
Other names: c.1004C>T, p.Ser335Phe (NM_001318360.2); c.299C>T, p.Ser100Phe (NM_001330749.2); short protein forms S100F, S335F, S449F.
Identifiers: ClinVar variation 965656 (VCV000965656.7), dbSNP rs755630402, ClinGen allele CA5175052.

ClinVar aggregate classification (germline): Uncertain significance. Review status: criteria provided, single submitter (1 of 4 stars). 2 submissions from 2 submitters: Uncertain significance (1). 1 of the submissions does not count toward it. Last evaluated 2021-09-01.

Conditions:
Familial dysautonomia. Also called: HSAN III; FD. Identifiers: Orphanet 1764, MedGen C0013364, MONDO:0009131, OMIM 223900. Disease mechanism: loss of function.

Allele frequency attached by ClinVar (database versions not stated): ExAC 0.00002; gnomAD 0.00001; TOPMed 0.00001.
gnomAD v4.1: 58 of 1,613,860 alleles (0.0036%); highest among the groups gnomAD compares: Non-Finnish European, 0.0047%; no homozygotes.

Submissions (2):

Labcorp Genetics (formerly Invitae), Labcorp
Classification: Uncertain significance. Last evaluated: 2021-09-01. Review status: criteria provided, single submitter. Criteria: Invitae Variant Classification Sherloc (09022015). Collection method: clinical testing. Allele origin: germline.
Comment: This sequence change replaces serine with phenylalanine at codon 449 of the ELP1 protein (p.Ser449Phe). The serine residue is moderately conserved and there is a large physicochemical difference between serine and phenylalanine. This variant is present in population databases (rs755630402, ExAC 0.004%). This variant has not been reported in the literature in individuals affected with ELP1-related conditions. Algorithms developed to predict the effect of missense changes on protein structure and function are either unavailable or do not agree on the potential impact of this missense change (SIFT: "Tolerated"; PolyPhen-2: "Possibly Damaging"; Align-GVGD: "Class C0"). In summary, the available evidence is currently insufficient to determine the role of this variant in disease. Therefore, it has been classified as a Variant of Uncertain Significance.

Natera, Inc.
Classification: Uncertain significance for Familial dysautonomia. Last evaluated: 2020-05-04. Review status: no assertion criteria provided. Collection method: clinical testing. Allele origin: germline. Not counted in ClinVar's aggregate classification.